The following is an entry in ClinVar:

NM_177972.3(TUB):c.566-3dup

Genes: RIC3 (RIC3 acetylcholine receptor chaperone; minus strand), TUB (TUB bipartite transcription factor; plus strand). Cytogenetic location: 11p15.4.
Variant type: Duplication.
Coding change: c.566-3dup on transcript NM_177972.3 (MANE Select); 3 bases into the intron before coding-DNA position 566, one base duplicated (C; older notation c.566-3dupC).
Molecular consequence: intron variant.
Genome position (GRCh38, 1-based): chr11:8,096,682, C duplicated; the last of 3 consecutive C bases (chr11:8,096,680-8,096,682); duplicating any one gives the same sequence. VCF-style (leftmost placement, unchanged base first): chr11-8096679-G-GC. GRCh37 (hg19) VCF-style: chr11-8118226-G-GC.
Other names: c.731-3dup (NM_003320.5).
Identifiers: ClinVar variation 3358778 (VCV003358778.1).

ClinVar aggregate classification (germline): Likely benign (0 of 4 stars; one submission).

Conditions:
TUB-related disorder. Also called: TUB-related condition.

Submission:

PreventionGenetics, part of Exact Sciences
Classification: Likely benign for TUB-related condition. Last evaluated: 2022-09-15. Review status: no assertion criteria provided. Collection method: clinical testing. Allele origin: germline.
Comment: This variant is classified as likely benign based on ACMG/AMP sequence variant interpretation guidelines (Richards et al. 2015 PMID: 25741868, with internal and published modifications).